The following is an entry in ClinVar:

NM_001386393.1(PANK2):c.1258G>A (p.Ala420Thr)

Gene: PANK2 (pantothenate kinase 2; plus strand). Cytogenetic location: 20p13.
Variant type: single nucleotide variant.
Coding change: c.1258G>A on transcript NM_001386393.1 (MANE Select); coding-DNA position 1258, G replaced by A.
Protein change: p.Ala420Thr; replaces alanine 420 with threonine.
Molecular consequence: missense variant. On other transcripts: non-coding transcript variant (1).
Genome position (GRCh38, 1-based): chr20:3,918,722, G>A. VCF-style: chr20-3918722-G-A. GRCh37 (hg19) VCF-style: chr20-3899369-G-A.
Other names: c.715G>A, p.Ala239Thr (NM_001324191.2, NM_024960.6, NM_153640.4); c.280G>A, p.Ala94Thr (NM_001324193.2); c.1588G>A, p.Ala530Thr (NM_153638.4); short protein forms A239T, A420T, A530T, A94T.
Identifiers: ClinVar variation 2444001 (VCV002444001.2), dbSNP rs558481390, ClinGen allele CA9750931.

ClinVar aggregate classification (germline): Pathogenic (0 of 4 stars; one submission).

Conditions:
Hypoprebetalipoproteinemia, acanthocytosis, retinitis pigmentosa, and pallidal degeneration. Identifiers: MedGen C1846582, MONDO:0011798.

Allele frequency attached by ClinVar (database versions not stated): ExAC 0.00001; gnomAD 0.00001; 1000 Genomes Project 30x 0.00016; 1000 Genomes Project 0.00020.
gnomAD v4.1: 1 of 1,614,228 alleles (0.000062%); highest among the groups gnomAD compares: East Asian, 0.0022%; no homozygotes.

Submission:

Payam Genetics Center, General Welfare Department of North Khorasan Province
Classification: Pathogenic for Hypoprebetalipoproteinemia, acanthocytosis, retinitis pigmentosa, and pallidal degeneration. Last evaluated: 2023-01-01. Review status: no assertion criteria provided. Collection method: clinical testing. Allele origin: germline. Affected: yes. Observed: 1 variant allele.
Comment: This mutation is a missense SNV(p.Ala530Thr) in the PANK2 gene. It is expected to result in an non-functional or disrupted protein product. Loss-of-function variants in PANK2 are known to be pathogenic (PMID:14611201,14743358,12523119). This variant is not present inp population databases (gnomAD no frequency). This variant has not been reported in the literature in individuals affected with PANK2-related conditions. For these reasons, this variant has been classified as Pathogenic.

Literature cited by the submitters: PubMed 14631201; PubMed 14743358; PubMed 12523119.